The following is an entry in ClinVar:

NM_198428.3(BBS9):c.1759C>T (p.Arg587Ter)

Gene: BBS9 (Bardet-Biedl syndrome 9; plus strand). Cytogenetic location: 7p14.3.
Variant type: single nucleotide variant.
Coding change: c.1759C>T on transcript NM_198428.3 (MANE Select); coding-DNA position 1759, C replaced by T.
Protein change: p.Arg587Ter; replaces arginine 587 with a stop codon.
Molecular consequence: nonsense. On other transcripts: non-coding transcript variant (3).
Genome position (GRCh38, 1-based): chr7:33,367,832, C>T. VCF-style: chr7-33367832-C-T. GRCh37 (hg19) VCF-style: chr7-33407444-C-T.
Other names: c.1654C>T, p.Arg552Ter (NM_001033604.2); c.1744C>T, p.Arg582Ter (NM_001033605.2); c.1759C>T, p.Arg587Ter (NM_001348036.1, NM_001348041.4, NM_001348043.3 and 1 more transcripts); c.1393C>T, p.Arg465Ter (NM_001348037.3, NM_001348045.3, NM_001348046.3); c.1486C>T, p.Arg496Ter (NM_001348038.3); c.1381C>T, p.Arg461Ter (NM_001348039.3); c.1639C>T, p.Arg547Ter (NM_001348040.3, NM_014451.4); c.1624C>T, p.Arg542Ter (NM_001348042.3); and 2 more; short protein forms R587*, R430*, R461*, R547*, R496*, R542*, R465*, R552*.
Identifiers: ClinVar variation 265771 (VCV000265771.12), dbSNP rs746797123, ClinGen allele CA10588819.

ClinVar aggregate classification (germline): Pathogenic/Likely pathogenic. Review status: criteria provided, multiple submitters, no conflicts (2 of 4 stars). 7 submissions from 7 submitters: Pathogenic (5); Likely pathogenic (2). Last evaluated 2025-04-25.

Conditions:
BBS9-related disorder. Also called: BBS9-related condition.
Bardet-Biedl syndrome (BBS). Identifiers: Orphanet 110, MedGen C0752166, MONDO:0015229.
Bardet-Biedl syndrome 9 (BBS9). Identifiers: Orphanet 110, MedGen C1859567, MONDO:0014437, OMIM 615986.

Allele frequency attached by ClinVar (database versions not stated): TOPMed below 0.00001.
gnomAD v4.1: 7 of 1,613,746 alleles (0.00043%); highest among the groups gnomAD compares: Non-Finnish European, 0.00059%; no homozygotes.

Submissions (7):

PreventionGenetics, part of Exact Sciences
Classification: Pathogenic for BBS9-related condition. Last evaluated: 2025-04-25. Review status: criteria provided, single submitter. Criteria: ACMG Guidelines, 2015. Collection method: clinical testing. Allele origin: germline.
Comment: The BBS9 c.1759C>T variant is predicted to result in premature protein termination (p.Arg587*). This variant has been reported in a patient with retinitis pigmentosa (Table S2, Gao et al. 2019. PubMed ID: 31054281). This variant has not been reported in a large population database (gnomAD), indicating this variant is rare. In ClinVar, this variant is listed as likely pathogenic or pathogenic by multiple submitters. Premature termination of BBS9 is a well-documented mechanism of disease (Nishimura et al. 2005. PubMed ID: 16380913). This variant is interpreted as pathogenic.

Blueprint Genetics
Classification: Pathogenic for BBS9-related disorders. Last evaluated: 2024-09-13. Review status: criteria provided, single submitter. Criteria: ACMG Guidelines, 2015. Collection method: clinical testing. Allele origin: germline. Affected: yes. Observed: 4 variant alleles.

Fulgent Genetics
Classification: Likely pathogenic for Bardet-Biedl syndrome 9. Last evaluated: 2024-03-25. Review status: criteria provided, single submitter. Criteria: ACMG Guidelines, 2015. Collection method: clinical testing. Allele origin: germline.

Baylor Genetics
Classification: Likely pathogenic for Bardet-Biedl syndrome 9. Last evaluated: 2023-11-29. Review status: criteria provided, single submitter. Criteria: ACMG Guidelines, 2015. Collection method: clinical testing. Allele origin: unknown.

Labcorp Genetics (formerly Invitae), Labcorp
Classification: Pathogenic for Bardet-Biedl syndrome. Last evaluated: 2023-10-04. Review status: criteria provided, single submitter. Criteria: Invitae Variant Classification Sherloc (09022015). Collection method: clinical testing. Allele origin: germline.
Comment: This sequence change creates a premature translational stop signal (p.Arg587*) in the BBS9 gene. It is expected to result in an absent or disrupted protein product. Loss-of-function variants in BBS9 are known to be pathogenic (PMID: 16380913, 20177705). This variant is not present in population databases (gnomAD no frequency). This premature translational stop signal has been observed in individual(s) with retinitis pigmentosa (PMID: 31054281). ClinVar contains an entry for this variant (Variation ID: 265771). For these reasons, this variant has been classified as Pathogenic.

Clinical Genetics Laboratory, Skane University Hospital Lund
Classification: Pathogenic. Last evaluated: 2022-07-13. Review status: criteria provided, single submitter. Criteria: ACMG Guidelines, 2015. Collection method: clinical testing. Allele origin: germline. Affected: yes.

Shenzhen Institute of Pediatrics, Shenzhen Children's Hospital
Classification: Pathogenic for Bardet-Biedl syndrome 9. Last evaluated: 2016-06-27. Review status: criteria provided, single submitter. Criteria: ACMG Guidelines, 2015. Collection method: clinical testing. Allele origin: unknown. Inheritance: Autosomal recessive inheritance. Affected: no. Observed: 1 variant allele, 1 heterozygote.

Literature cited by the submitters: PubMed 16380913 (cited by Labcorp Genetics (formerly Invitae), Labcorp); PubMed 20177705 (cited by Labcorp Genetics (formerly Invitae), Labcorp); PubMed 31054281 (cited by Labcorp Genetics (formerly Invitae), Labcorp).